The following is an entry in ClinVar:

ClinVar aggregate classification (germline): Likely benign. Review status: criteria provided, single submitter (1 of 4 stars). 2 submissions from 2 submitters: Likely benign (1). 1 of the submissions does not count toward it. Last evaluated 2024-02-01.

Conditions:
HERC2-related disorder. Also called: HERC2-related condition.

Allele frequency attached by ClinVar (database versions not stated): gnomAD exomes 0.00003; ExAC 0.00012; gnomAD 0.00046; ESP Exome Variant Server 0.00054; TOPMed 0.00066.
gnomAD v4.1: 116 of 1,606,258 alleles (0.0072%); highest among the groups gnomAD compares: African/African-American, 0.13%; 1 homozygote.

Submissions (2):

CeGaT Center for Human Genetics Tuebingen
Classification: Likely benign. Last evaluated: 2024-02-01. Review status: criteria provided, single submitter. Criteria: CeGaT Center For Human Genetics Tuebingen Variant Classification Criteria Version 2. Collection method: clinical testing. Allele origin: germline. Affected: yes. Observed: 1 variant allele.
Comment: HERC2: BP4, BP7

PreventionGenetics, part of Exact Sciences
Classification: Likely benign for HERC2-related condition. Last evaluated: 2019-07-30. Review status: no assertion criteria provided. Collection method: clinical testing. Allele origin: germline. Not counted in ClinVar's aggregate classification.
Comment: This variant is classified as likely benign based on ACMG/AMP sequence variant interpretation guidelines (Richards et al. 2015 PMID: 25741868, with internal and published modifications).

NM_004667.6(HERC2):c.2775A>G (p.Pro925=)

Gene: HERC2 (HECT and RLD domain containing E3 ubiquitin protein ligase 2; minus strand). Cytogenetic location: 15q13.1.
Variant type: single nucleotide variant.
Coding change: c.2775A>G on transcript NM_004667.6 (MANE Select); coding-DNA position 2775, A replaced by G.
Protein change: p.Pro925=; no amino-acid change (proline 925 retained).
Molecular consequence: synonymous variant.
Genome position (GRCh38, 1-based): chr15:28,255,968, T>C on the plus strand (A>G on the coding strand, the complement: HERC2 is on the minus strand). VCF-style: chr15-28255968-T-C. GRCh37 (hg19) VCF-style: chr15-28501114-T-C.
Other names: c.2775A>G (NM_004667.5).
Identifiers: ClinVar variation 3025890 (VCV003025890.23), dbSNP rs150675000, ClinGen allele CA7443086.